The following is an entry in ClinVar:

NM_001042472.3(ABHD12):c.1144C>T (p.Pro382Ser)

Gene: ABHD12 (abhydrolase domain containing 12, lysophospholipase; minus strand). Cytogenetic location: 20p11.21.
Variant type: single nucleotide variant.
Coding change: c.1144C>T on transcript NM_001042472.3 (MANE Select); coding-DNA position 1144, C replaced by T.
Protein change: p.Pro382Ser; replaces proline 382 with serine.
Molecular consequence: missense variant.
Genome position (GRCh38, 1-based): chr20:25,302,232, G>A on the plus strand (C>T on the coding strand, the complement: ABHD12 is on the minus strand). VCF-style: chr20-25302232-G-A. GRCh37 (hg19) VCF-style: chr20-25282868-G-A.
Other names: c.1144C>T, p.Pro382Ser (NM_015600.5); c.1144C>T (NM_001042472.2); short protein forms P382S.
Identifiers: ClinVar variation 1365099 (VCV001365099.8), dbSNP rs991573752, ClinGen allele CA313712820.

ClinVar aggregate classification (germline): Uncertain significance. Review status: criteria provided, multiple submitters, no conflicts (2 of 4 stars). 2 submissions from 2 submitters: Uncertain significance (2). Last evaluated 2025-03-31.

Conditions:
Inborn genetic diseases. Identifiers: MedGen C0950123, MeSH D030342.

Allele frequency attached by ClinVar (database versions not stated): gnomAD 0.00001; gnomAD exomes 0.00001; TOPMed 0.00002.
gnomAD v4.1: 7 of 1,613,354 alleles (0.00043%); highest among the groups gnomAD compares: Admixed American, 0.0083%; no homozygotes.

Submissions (2):

Ambry Genetics
Classification: Uncertain significance for Inborn genetic diseases. Last evaluated: 2025-03-31. Review status: criteria provided, single submitter. Criteria: Ambry Variant Classification Scheme 2023. Collection method: clinical testing. Allele origin: germline.

Labcorp Genetics (formerly Invitae), Labcorp
Classification: Uncertain significance. Last evaluated: 2022-08-09. Review status: criteria provided, single submitter. Criteria: Invitae Variant Classification Sherloc (09022015). Collection method: clinical testing. Allele origin: germline.
Comment: In summary, the available evidence is currently insufficient to determine the role of this variant in disease. Therefore, it has been classified as a Variant of Uncertain Significance. Algorithms developed to predict the effect of missense changes on protein structure and function are either unavailable or do not agree on the potential impact of this missense change (SIFT: "Tolerated"; PolyPhen-2: "Possibly Damaging"; Align-GVGD: "Class C0"). ClinVar contains an entry for this variant (Variation ID: 1365099). This sequence change replaces proline, which is neutral and non-polar, with serine, which is neutral and polar, at codon 382 of the ABHD12 protein (p.Pro382Ser). This variant is not present in population databases (gnomAD no frequency). This variant has not been reported in the literature in individuals affected with ABHD12-related conditions.